The following is an entry in ClinVar:

ClinVar aggregate classification (germline): Uncertain significance. Review status: criteria provided, multiple submitters, no conflicts (2 of 4 stars). 2 submissions from 2 submitters: Uncertain significance (2). Last evaluated 2023-05-01.

Conditions:
Inborn genetic diseases. Identifiers: MedGen C0950123, MeSH D030342.

gnomAD v4.1: 9 of 1,613,842 alleles (0.00056%); highest among the groups gnomAD compares: African/African-American, 0.0027%; no homozygotes.

Submissions (2):

CeGaT Center for Human Genetics Tuebingen
Classification: Uncertain significance. Last evaluated: 2023-05-01. Review status: criteria provided, single submitter. Criteria: CeGaT Center For Human Genetics Tuebingen Variant Classification Criteria Version 2. Collection method: clinical testing. Allele origin: germline. Affected: yes. Observed: 1 variant allele.
Comment: MYT1L: PP2

Ambry Genetics
Classification: Uncertain significance for Inborn genetic diseases. Last evaluated: 2022-05-06. Review status: criteria provided, single submitter. Criteria: Ambry Variant Classification Scheme 2023. Collection method: clinical testing. Allele origin: germline.

NM_001303052.2(MYT1L):c.26G>A (p.Arg9Gln)

Gene: MYT1L (myelin transcription factor 1 like; minus strand). Cytogenetic location: 2p25.3.
Variant type: single nucleotide variant.
Coding change: c.26G>A on transcript NM_001303052.2 (MANE Select); coding-DNA position 26, G replaced by A.
Protein change: p.Arg9Gln; replaces arginine 9 with glutamine.
Molecular consequence: missense variant.
Genome position (GRCh38, 1-based): chr2:1,979,752, C>T on the plus strand (G>A on the coding strand, the complement: MYT1L is on the minus strand). VCF-style: chr2-1979752-C-T. GRCh37 (hg19) VCF-style: chr2-1983524-C-T.
Other names: c.26G>A, p.Arg9Gln (NM_001329847.2, NM_001329848.1, NM_001329849.3 and 6 more transcripts); short protein forms R9Q.
Identifiers: ClinVar variation 2404956 (VCV002404956.26), dbSNP rs774259529, ClinGen allele CA345865107.